The following is an entry in ClinVar:

NM_000466.3(PEX1):c.1916dup (p.Asn639fs)

Gene: PEX1 (peroxisomal biogenesis factor 1; minus strand). Cytogenetic location: 7q21.2.
Variant type: Duplication.
Coding change: c.1916dup on transcript NM_000466.3 (MANE Select); coding-DNA position 1916, one base duplicated (A; older notation c.1916dupA).
Protein change: p.Asn639fs; shifts the reading frame from asparagine 639.
Molecular consequence: frameshift variant. On other transcripts: intron variant (1).
Genome position (GRCh38, 1-based): chr7:92,504,887, T duplicated on the plus strand (A on the coding strand, the reverse complement: PEX1 is on the minus strand); the first of 4 consecutive T bases (chr7:92,504,887-92,504,890); duplicating any one gives the same sequence. VCF-style (leftmost placement, unchanged base first): chr7-92504886-G-GT. GRCh37 (hg19) VCF-style: chr7-92134200-G-GT.
Other names: c.1292dup, p.Asn431fs (NM_001282678.2); c.1900+1361dup (NM_001282677.2); short protein forms N639fs, N431fs.
Identifiers: ClinVar variation 1423136 (VCV001423136.6), dbSNP rs2116166262, ClinGen allele CA2573142464.

ClinVar aggregate classification (germline): Pathogenic (1 of 4 stars; one submission).

Conditions:
Zellweger spectrum disorders (ZS). Also called: Zellweger syndrome; Zellweger Spectrum Disorder (ZSD); Zellweger Spectrum Disorder; Zellweger Spectrum. Identifiers: Orphanet 912, MedGen C0043459, MONDO:0019609.

Submission:

Labcorp Genetics (formerly Invitae), Labcorp
Classification: Pathogenic for Zellweger spectrum disorders. Last evaluated: 2021-04-30. Review status: criteria provided, single submitter. Criteria: Invitae Variant Classification Sherloc (09022015). Collection method: clinical testing. Allele origin: germline.
Comment: This sequence change creates a premature translational stop signal (p.Asn639Lysfs*25) in the PEX1 gene. It is expected to result in an absent or disrupted protein product. Loss-of-function variants in PEX1 are known to be pathogenic (PMID: 9398847, 16086329, 16141001, 21031596, 26387595, 31831025). This variant is not present in population databases (ExAC no frequency). This variant has not been reported in the literature in individuals with PEX1-related conditions. For these reasons, this variant has been classified as Pathogenic.

Literature cited by the submitters: PubMed 9398847; PubMed 16086329; PubMed 16141001; PubMed 21031596; PubMed 26387595; PubMed 31831025.